The following is an entry in ClinVar:

ClinVar aggregate classification (germline): Benign/Likely benign. Review status: criteria provided, multiple submitters, no conflicts (2 of 4 stars). 6 submissions from 6 submitters: Benign (2); Likely benign (3). 1 of the submissions does not count toward it. Last evaluated 2025-08-02.

Conditions:
Malignant tumor of urinary bladder. Also called: Urinary bladder cancer; Urinary Bladder Neoplasms; Bladder cancer. Identifiers: MedGen C0005684, MONDO:0001187, OMIM 109800.
Epidermal nevus. Also called: Nevus, epidermal, somatic; NEVUS, KERATINOCYTIC, NONEPIDERMOLYTIC. Identifiers: Orphanet 79414, MedGen C0334082, MONDO:0008093, OMIM 162900, HP:0010816.
Severe achondroplasia-developmental delay-acanthosis nigricans syndrome. Also called: Severe achondroplasia with developmental delay and acanthosis nigricans; SADDAN dysplasia. Identifiers: Orphanet 85165, MedGen C2674173, MONDO:0014658, OMIM 616482.
Camptodactyly-tall stature-scoliosis-hearing loss syndrome. Also called: CATSHL SYNDROME. Identifiers: Orphanet 85164, MedGen C1864852, MONDO:0012504, OMIM 610474.
Levy-Hollister syndrome (LADD). Also called: LADD syndrome. Identifiers: Orphanet 2363, MedGen C0265269, MONDO:0007872.
Cervical cancer. Also called: Cervical cancer, somatic; Cervix cancer; Cancer of cervix. Identifiers: MedGen C4048328, MONDO:0002974, OMIM 603956, HP:0030079.
Colorectal cancer. Also called: Malignant Colorectal Neoplasm; Colorectal cancer, somatic. Identifiers: MedGen C0346629, MONDO:0005575, OMIM 114500.
Muenke syndrome (MNKES). Also called: MUENKE NONSYNDROMIC CORONAL CRANIOSYNOSTOSIS. Identifiers: Orphanet 53271, MedGen C1864436, MONDO:0011274, OMIM 602849.
Hypochondroplasia (HCH). Identifiers: Orphanet 429, MedGen C0410529, MONDO:0007793, OMIM 146000. Disease mechanism: gain of function.
Achondroplasia (ACH). Also called: Achondroplastic dwarfism. Identifiers: Orphanet 15, MedGen C0001080, MONDO:0007037, OMIM 100800. Disease mechanism: gain of function.
Crouzon syndrome-acanthosis nigricans syndrome. Also called: CROUZONODERMOSKELETAL SYNDROME. Identifiers: Orphanet 93262, MedGen C2677099, MONDO:0012833, OMIM 612247.
Thanatophoric dysplasia type 1 (TD1). Also called: Thanatophoric Dysplasia Type 1 (TD Type 1); PLATYSPONDYLIC LETHAL SKELETAL DYSPLASIA, SAN DIEGO TYPE; LETHAL SHORT-LIMBED PLATYSPONDYLIC DWARFISM, SAN DIEGO TYPE. Identifiers: Orphanet 1860, Orphanet 2655, MedGen C1868678, MONDO:0008546, OMIM 187600. Disease mechanism: gain of function.
Thanatophoric dysplasia, type 2 (TD2). Also called: Thanatophoric Dysplasia Type 2 (TD Type 2); THANATOPHORIC DYSPLASIA WITH KLEEBLATTSCHAEDEL; THANATOPHORIC DYSPLASIA WITH STRAIGHT FEMURS AND CLOVERLEAF SKULL; CLOVERLEAF SKULL WITH THANATOPHORIC DWARFISM. Identifiers: Orphanet 2655, Orphanet 93274, MedGen C1300257, MONDO:0008547, OMIM 187601. Disease mechanism: gain of function.
Germ cell tumor of testis (TGCT). Also called: GERM CELL TUMOR, SOMATIC; Testicular germ cell tumor. Identifiers: Orphanet 363504, MedGen C1336708, MONDO:0010108, OMIM 273300.
Sarcoma. Identifiers: MedGen C1261473, MONDO:0005089, HP:0100242.

Allele frequency attached by ClinVar (database versions not stated): gnomAD 0.00002; TOPMed 0.00006; ExAC 0.00018.

Submissions (6):

Labcorp Genetics (formerly Invitae), Labcorp
Classification: Benign. Last evaluated: 2025-08-02. Review status: criteria provided, single submitter. Criteria: Invitae Variant Classification Sherloc (09022015). Collection method: clinical testing. Allele origin: germline.

Mayo Clinic Laboratories, Mayo Clinic
Classification: Likely benign. Last evaluated: 2024-11-06. Review status: criteria provided, single submitter. Criteria: ACMG Guidelines, 2015. Collection method: clinical testing. Allele origin: germline. Observed: 1 variant allele.
Comment: BS1_supporting, BP4, BP7

Fulgent Genetics
Classification: Likely benign for Achondroplasia; Malignant tumor of urinary bladder; Colorectal cancer; Hypochondroplasia; LADD syndrome 1; Epidermal nevus; Thanatophoric dysplasia type 1; Thanatophoric dysplasia, type 2; Germ cell tumor of testis; Muenke syndrome; Cervical cancer; Camptodactyly-tall stature-scoliosis-hearing loss syndrome; Crouzon syndrome-acanthosis nigricans syndrome; Severe achondroplasia-developmental delay-acanthosis nigricans syndrome. Last evaluated: 2021-07-07. Review status: criteria provided, single submitter. Criteria: ACMG Guidelines, 2015. Collection method: clinical testing. Allele origin: unknown.

Blueprint Genetics
Classification: Likely benign. Last evaluated: 2020-05-20. Review status: criteria provided, single submitter. Criteria: ACMG Guidelines, 2015. Collection method: clinical testing. Allele origin: germline.

GeneDx
Classification: Benign. Last evaluated: 2019-04-08. Review status: criteria provided, single submitter. Criteria: GeneDx Variant Classification Process June 2021. Collection method: clinical testing. Allele origin: germline. Affected: yes.

Laboratory of Translational Genomics,  National Cancer Institute
No classification provided. Review status: no classification provided. Collection method: not provided. Allele origin: somatic. Not counted in ClinVar's aggregate classification.
Comment: Pediatric sarcoma specimen

NM_000142.5(FGFR3):c.1935C>T (p.Leu645=)

Gene: FGFR3 (fibroblast growth factor receptor 3; plus strand). Cytogenetic location: 4p16.3.
Variant type: single nucleotide variant.
Coding change: c.1935C>T on transcript NM_000142.5 (MANE Select); coding-DNA position 1935, C replaced by T.
Protein change: p.Leu645=; no amino-acid change (leucine 645 retained).
Molecular consequence: synonymous variant. On other transcripts: non-coding transcript variant (1).
Genome position (GRCh38, 1-based): chr4:1,806,149, C>T. VCF-style: chr4-1806149-C-T. GRCh37 (hg19) VCF-style: chr4-1807876-C-T.
Other names: p.Leu645=; c.1941C>T, p.Leu647= (NM_001163213.2); c.1938C>T, p.Leu646= (NM_001354809.2, NM_001354810.2); c.1599C>T, p.Leu533= (NM_022965.4).
Identifiers: ClinVar variation 132959 (VCV000132959.11), dbSNP rs104886006, ClinGen allele CA156290.